The following is an entry in ClinVar:

ClinVar aggregate classification (germline): Uncertain significance (1 of 4 stars; one submission).

Conditions:
CEP164-related disorder. Also called: CEP164-related condition.

gnomAD v4.1: 2 of 1,614,128 alleles (0.00012%); highest among the groups gnomAD compares: Non-Finnish European, 0.00017%; no homozygotes.

Submission:

PreventionGenetics, part of Exact Sciences
Classification: Uncertain significance for CEP164-related condition. Last evaluated: 2026-03-23. Review status: criteria provided, single submitter. Criteria: ACMG Guidelines, 2015. Collection method: clinical testing. Allele origin: germline.
Comment: The CEP164 c.1613A>G variant is predicted to result in the amino acid substitution p.Lys538Arg. To our knowledge, this variant has not been reported in the literature or in a large population database (gnomAD), indicating this variant is rare. At this time, the clinical significance of this variant is uncertain due to the absence of conclusive functional and genetic evidence.

NM_014956.5(CEP164):c.1613A>G (p.Lys538Arg)

Gene: CEP164 (centrosomal protein 164; plus strand). Cytogenetic location: 11q23.3.
Variant type: single nucleotide variant.
Coding change: c.1613A>G on transcript NM_014956.5 (MANE Select); coding-DNA position 1613, A replaced by G.
Protein change: p.Lys538Arg; replaces lysine 538 with arginine.
Molecular consequence: missense variant. On other transcripts: intron variant (27).
Genome position (GRCh38, 1-based): chr11:117,382,831, A>G. VCF-style: chr11-117382831-A-G. GRCh37 (hg19) VCF-style: chr11-117253547-A-G.
Other names: c.1622A>G, p.Lys541Arg (NM_001271933.2, NM_001440949.1); c.1613A>G, p.Lys538Arg (NM_001440950.1, NM_001440951.1, NM_001440953.1 and 1 more transcripts); c.1535A>G, p.Lys512Arg (NM_001440954.1, NM_001440955.1, NM_001440958.1 and 2 more transcripts); c.1484A>G, p.Lys495Arg (NM_001440960.1); c.1454A>G, p.Lys485Arg (NM_001440972.1); c.1586+963A>G (NM_001440967.1, NM_001440961.1); c.1637+963A>G (NM_001440956.1, NM_001440957.1); c.1577+963A>G (NM_001440962.1, NM_001440970.1, NM_001440964.1 and 6 more transcripts); and 2 more; short protein forms K495R, K538R, K485R, K512R, K541R.
Identifiers: ClinVar variation 4986585 (VCV004986585.1).